The following is an entry in ClinVar:

NM_014000.3(VCL):c.689G>A (p.Arg230His)

Gene: VCL (vinculin; plus strand). Cytogenetic location: 10q22.2.
Variant type: single nucleotide variant.
Coding change: c.689G>A on transcript NM_014000.3 (MANE Select); coding-DNA position 689, G replaced by A.
Protein change: p.Arg230His; replaces arginine 230 with histidine.
Molecular consequence: missense variant.
Genome position (GRCh38, 1-based): chr10:74,074,809, G>A. VCF-style: chr10-74074809-G-A. GRCh37 (hg19) VCF-style: chr10-75834567-G-A.
Other names: c.689G>A, p.Arg230His (NM_003373.4); short protein forms R230H.
Identifiers: ClinVar variation 969844 (VCV000969844.21), dbSNP rs749628307, ClinGen allele CA5562835.

ClinVar aggregate classification (germline): Uncertain significance. Review status: criteria provided, multiple submitters, no conflicts (2 of 4 stars). 7 submissions from 7 submitters: Uncertain significance (3). 4 of the submissions do not count toward it. Last evaluated 2025-07-18.

Conditions:
Dilated cardiomyopathy 1W (CMD1W). Identifiers: Orphanet 154, MedGen C1969639, MONDO:0012667, OMIM 611407.
Cardiovascular phenotype. Identifiers: MedGen CN230736.

Allele frequency attached by ClinVar (database versions not stated): gnomAD 0.00001; gnomAD exomes 0.00001; TOPMed 0.00001; ExAC 0.00002.
gnomAD v4.1: 22 of 1,613,868 alleles (0.0014%); highest among the groups gnomAD compares: South Asian, 0.0022%; no homozygotes.

Submissions (7):

Women's Health and Genetics/Laboratory Corporation of America, LabCorp
Classification: Uncertain significance. Last evaluated: 2025-07-18. Review status: criteria provided, single submitter. Criteria: LabCorp Variant Classification Summary - May 2015. Collection method: clinical testing. Allele origin: germline.
Comment: Variant summary: VCL c.689G>A (p.Arg230His) results in a non-conservative amino acid change in the encoded protein sequence. Algorithms developed to predict the effect of missense changes on protein structure and function all suggest that this variant is likely to be disruptive. The variant allele was found at a frequency of 1.2e-05 in 251298 control chromosomes (gnomAD). The available data on variant occurrences in the general population are insufficient to allow any conclusion about variant significance. c.689G>A has been observed in an individual affected with Cardiomyopathy (Filatova_2021). This report does not provide unequivocal conclusions about association of the variant with Cardiomyopathy. To our knowledge, no experimental evidence demonstrating an impact on protein function has been reported. The following publication has been ascertained in the context of this evaluation (PMID: 34598319). ClinVar contains an entry for this variant (Variation ID: 969844). Based on the evidence outlined above, the variant was classified as uncertain significance.

Labcorp Genetics (formerly Invitae), Labcorp
Classification: Uncertain significance for Dilated cardiomyopathy 1W. Last evaluated: 2025-06-20. Review status: criteria provided, single submitter. Criteria: Invitae Variant Classification Sherloc (09022015). Collection method: clinical testing. Allele origin: germline.
Comment: This sequence change replaces arginine, which is basic and polar, with histidine, which is basic and polar, at codon 230 of the VCL protein (p.Arg230His). This variant is present in population databases (rs749628307, gnomAD 0.003%). This missense change has been observed in individual(s) with hypertrophic cardiomyopathy (PMID: 34598319). ClinVar contains an entry for this variant (Variation ID: 969844). An algorithm developed to predict the effect of missense changes on protein structure and function (PolyPhen-2) suggests that this variant is likely to be disruptive. In summary, the available evidence is currently insufficient to determine the role of this variant in disease. Therefore, it has been classified as a Variant of Uncertain Significance.

Ambry Genetics
Classification: Uncertain significance for Cardiovascular phenotype. Last evaluated: 2025-03-23. Review status: criteria provided, single submitter. Criteria: Ambry Variant Classification Scheme 2023. Collection method: clinical testing. Allele origin: germline.
Comment: The p.R230H variant (also known as c.689G>A), located in coding exon 6 of the VCL gene, results from a G to A substitution at nucleotide position 689. The arginine at codon 230 is replaced by histidine, an amino acid with highly similar properties. This amino acid position is highly conserved in available vertebrate species. In addition, this alteration is predicted to be deleterious by in silico analysis. Since supporting evidence is limited at this time, the clinical significance of this alteration remains unclear.

Clinical Genetics, Academic Medical Center
Classification: Uncertain significance. Review status: no assertion criteria provided. Collection method: clinical testing. Allele origin: germline. Affected: yes. Study: VKGL Data-share Consensus. Not counted in ClinVar's aggregate classification.

Diagnostic Laboratory, Department of Genetics, University Medical Center Groningen
Classification: Uncertain significance. Review status: no assertion criteria provided. Collection method: clinical testing. Allele origin: germline. Affected: yes. Study: VKGL Data-share Consensus. Not counted in ClinVar's aggregate classification.

Genome Diagnostics Laboratory, University Medical Center Utrecht
Classification: Uncertain significance. Review status: no assertion criteria provided. Collection method: clinical testing. Allele origin: germline. Affected: yes. Study: VKGL Data-share Consensus. Not counted in ClinVar's aggregate classification.

Joint Genome Diagnostic Labs from Nijmegen and Maastricht, Radboudumc and MUMC+
Classification: Uncertain significance. Review status: no assertion criteria provided. Collection method: clinical testing. Allele origin: germline. Affected: yes. Study: VKGL Data-share Consensus. Not counted in ClinVar's aggregate classification.

Literature cited by the submitters: PubMed 34598319 (cited by Women's Health and Genetics/Laboratory Corporation of America, LabCorp and Labcorp Genetics (formerly Invitae), Labcorp).